The following is an entry in ClinVar:

ClinVar aggregate classification (germline): Likely benign. Review status: criteria provided, multiple submitters, no conflicts (2 of 4 stars). 3 submissions from 3 submitters: Likely benign (3). Last evaluated 2025-07-31.

Conditions:
Kabuki syndrome. Also called: NIIKAWA-KUROKI SYNDROME; Kabuki make-up syndrome. Identifiers: Orphanet 2322, MedGen C0796004, MONDO:0016512.

gnomAD v4.1: 4 of 1,613,800 alleles (0.00025%); highest among the groups gnomAD compares: Non-Finnish European, 0.00034%; no homozygotes.

Submissions (3):

Labcorp Genetics (formerly Invitae), Labcorp
Classification: Likely benign for Kabuki syndrome. Last evaluated: 2025-07-31. Review status: criteria provided, single submitter. Criteria: Invitae Variant Classification Sherloc (09022015). Collection method: clinical testing. Allele origin: germline.

Blueprint Genetics
Classification: Likely benign. Last evaluated: 2023-10-25. Review status: criteria provided, single submitter. Criteria: ACMG Guidelines, 2015. Collection method: clinical testing. Allele origin: germline.

CeGaT Center for Human Genetics Tuebingen
Classification: Likely benign. Last evaluated: 2022-05-01. Review status: criteria provided, single submitter. Criteria: CeGaT Center For Human Genetics Tuebingen Variant Classification Criteria Version 2. Collection method: clinical testing. Allele origin: germline. Affected: yes. Observed: 1 variant allele.
Comment: KMT2D: BP4, BP7

NM_003482.4(KMT2D):c.5523C>G (p.Ala1841=)

Gene: KMT2D (lysine methyltransferase 2D; minus strand). Cytogenetic location: 12q13.12.
Variant type: single nucleotide variant.
Coding change: c.5523C>G on transcript NM_003482.4 (MANE Select); coding-DNA position 5523, C replaced by G.
Protein change: p.Ala1841=; no amino-acid change (alanine 1841 retained).
Molecular consequence: synonymous variant.
Genome position (GRCh38, 1-based): chr12:49,043,373, G>C on the plus strand (C>G on the coding strand, the complement: KMT2D is on the minus strand). VCF-style: chr12-49043373-G-C. GRCh37 (hg19) VCF-style: chr12-49437156-G-C.
Identifiers: ClinVar variation 1919203 (VCV001919203.30), dbSNP rs202165318, ClinGen allele CA479512587.